The following is an entry in ClinVar:

ClinVar aggregate classification (germline): Uncertain significance (1 of 4 stars; one submission).

Conditions:
Hereditary pancreatitis (PCTT). Also called: PRSS1-Related Hereditary Pancreatitis; Hereditary chronic pancreatitis. Identifiers: Orphanet 676, MedGen C0238339, MONDO:0008185, OMIM 167800.

Submission:

Ambry Genetics
Classification: Uncertain significance for Hereditary pancreatitis. Last evaluated: 2025-03-07. Review status: criteria provided, single submitter. Criteria: Ambry Variant Classification Scheme 2023. Collection method: clinical testing. Allele origin: germline.
Comment: The p.P140S variant (also known as c.418C>T), located in coding exon 4 of the CPA1 gene, results from a C to T substitution at nucleotide position 418. The proline at codon 140 is replaced by serine, an amino acid with similar properties. This amino acid position is conserved. In addition, this alteration is predicted to be tolerated by in silico analysis. Based on the available evidence, the clinical significance of this variant remains unclear.

NM_001868.4(CPA1):c.418C>T (p.Pro140Ser)

Gene: CPA1 (carboxypeptidase A1; plus strand). Cytogenetic location: 7q32.2.
Variant type: single nucleotide variant.
Coding change: c.418C>T on transcript NM_001868.4 (MANE Select); coding-DNA position 418, C replaced by T.
Protein change: p.Pro140Ser; replaces proline 140 with serine.
Molecular consequence: missense variant.
Genome position (GRCh38, 1-based): chr7:130,382,144, C>T. VCF-style: chr7-130382144-C-T. GRCh37 (hg19) VCF-style: chr7-130021985-C-T.
Other names: short protein forms P140S.
Identifiers: ClinVar variation 3835766 (VCV003835766.1).